The following is an entry in ClinVar:

NM_000152.5(GAA):c.2540T>G (p.Leu847Arg)

Gene: GAA (alpha glucosidase; plus strand). Cytogenetic location: 17q25.3.
Variant type: single nucleotide variant.
Coding change: c.2540T>G on transcript NM_000152.5 (MANE Select); coding-DNA position 2540, T replaced by G.
Protein change: p.Leu847Arg; replaces leucine 847 with arginine.
Molecular consequence: missense variant.
Genome position (GRCh38, 1-based): chr17:80,118,251, T>G. VCF-style: chr17-80118251-T-G. GRCh37 (hg19) VCF-style: chr17-78092050-T-G.
Other names: c.2540T>G, p.Leu847Arg (NM_001079803.3, NM_001079804.3); short protein forms L847R.
Identifiers: ClinVar variation 500504 (VCV000500504.10), dbSNP rs1555603096, ClinGen allele CA401326121.

ClinVar aggregate classification (germline): Uncertain significance. Review status: criteria provided, multiple submitters, no conflicts (2 of 4 stars). 2 submissions from 2 submitters: Uncertain significance (2). Last evaluated 2021-08-31.

Conditions:
Glycogen storage disease, type II (IOPD). Also called: Pompe Disease; GLYCOGENOSIS, GENERALIZED, CARDIAC FORM; GSD II; POMPE DISEASE, INFANTILE-ONSET; GLYCOGEN STORAGE DISEASE II, INFANTILE-ONSET; ACID ALPHA-GLUCOSIDASE DEFICIENCY, INFANTILE-ONSET. Identifiers: Orphanet 365, MedGen C0017921, MONDO:0009290, OMIM 232300.

Allele frequency attached by ClinVar (database versions not stated): gnomAD exomes 0.00001.
gnomAD v4.1: 3 of 1,611,984 alleles (0.00019%); highest among the groups gnomAD compares: Non-Finnish European, 0.00025%; no homozygotes.

Submissions (2):

Labcorp Genetics (formerly Invitae), Labcorp
Classification: Uncertain significance for Glycogen storage disease, type II. Last evaluated: 2021-08-31. Review status: criteria provided, single submitter. Criteria: Invitae Variant Classification Sherloc (09022015). Collection method: clinical testing. Allele origin: germline.
Comment: In summary, the available evidence is currently insufficient to determine the role of this variant in disease. Therefore, it has been classified as a Variant of Uncertain Significance. This sequence change replaces leucine with arginine at codon 847 of the GAA protein (p.Leu847Arg). The leucine residue is highly conserved and there is a moderate physicochemical difference between leucine and arginine. This variant is not present in population databases (ExAC no frequency). This missense change has been observed in individual(s) with a positive newborn screening result for GAA-related disease (Invitae). ClinVar contains an entry for this variant (Variation ID: 500504). Advanced modeling of protein sequence and biophysical properties (such as structural, functional, and spatial information, amino acid conservation, physicochemical variation, residue mobility, and thermodynamic stability) performed at Invitae indicates that this missense variant is expected to disrupt GAA protein function.

Eurofins Ntd Llc (ga)
Classification: Uncertain significance. Last evaluated: 2017-03-09. Review status: criteria provided, single submitter. Criteria: EGL Classification Definitions 2015. Collection method: clinical testing. Allele origin: germline. Observed: 1 variant allele, 1 heterozygote.